The following is an entry in ClinVar:

NM_001122681.2(SH3BP2):c.136+5G>A

Gene: SH3BP2 (SH3 domain binding protein 2; plus strand). Cytogenetic location: 4p16.3.
Variant type: single nucleotide variant.
Coding change: c.136+5G>A on transcript NM_001122681.2 (MANE Select); 5 bases into the intron after coding-DNA position 136, G replaced by A.
Molecular consequence: intron variant.
Genome position (GRCh38, 1-based): chr4:2,820,758, G>A. VCF-style: chr4-2820758-G-A. GRCh37 (hg19) VCF-style: chr4-2822485-G-A.
Other names: c.220+5G>A (NM_001145855.2); c.307+5G>A (NM_001145856.2); c.136+5G>A (NM_003023.4).
Identifiers: ClinVar variation 2858933 (VCV002858933.3), dbSNP rs777738094, ClinGen allele CA2739270010.

ClinVar aggregate classification (germline): Uncertain significance (1 of 4 stars; one submission).

Conditions:
Fibrous dysplasia of jaw (CRBM). Also called: Cherubism. Identifiers: Orphanet 184, MedGen C0008029, MONDO:0007315, OMIM 118400.

Submission:

Labcorp Genetics (formerly Invitae), Labcorp
Classification: Uncertain significance for Fibrous dysplasia of jaw. Last evaluated: 2023-05-01. Review status: criteria provided, single submitter. Criteria: Invitae Variant Classification Sherloc (09022015). Collection method: clinical testing. Allele origin: germline.
Comment: In summary, the available evidence is currently insufficient to determine the role of this variant in disease. Therefore, it has been classified as a Variant of Uncertain Significance. Variants that disrupt the consensus splice site are a relatively common cause of aberrant splicing (PMID: 17576681, 9536098). Algorithms developed to predict the effect of sequence changes on RNA splicing suggest that this variant is not likely to affect RNA splicing. This variant has not been reported in the literature in individuals affected with SH3BP2-related conditions. This variant is not present in population databases (gnomAD no frequency). This sequence change falls in intron 2 of the SH3BP2 gene. It does not directly change the encoded amino acid sequence of the SH3BP2 protein. It affects a nucleotide within the consensus splice site.

Literature cited by the submitters: PubMed 17576681; PubMed 9536098.